The following is an entry in ClinVar:

NM_000180.4(GUCY2D):c.743C>T (p.Ser248Leu)

Gene: GUCY2D (guanylate cyclase 2D, retinal; plus strand). Cytogenetic location: 17p13.1.
Variant type: single nucleotide variant.
Coding change: c.743C>T on transcript NM_000180.4 (MANE Select); coding-DNA position 743, C replaced by T.
Protein change: p.Ser248Leu; replaces serine 248 with leucine.
Molecular consequence: missense variant.
Genome position (GRCh38, 1-based): chr17:8,003,873, C>T. VCF-style: chr17-8003873-C-T. GRCh37 (hg19) VCF-style: chr17-7907191-C-T.
Other names: short protein forms S248L.
Identifiers: ClinVar variation 974670 (VCV000974670.4), dbSNP rs138922415, ClinGen allele CA397945069.
Genomic context (GRCh38, chr17:8,003,873, plus strand): 5'-GCAGCCGGACGGCGCCGCGAGCCAAGCCTCTGTCCGCAGCAGTGATCATGGTGATGCACT[C>T]GGTGCTGCTGGGTGGCGAGGAGCAGCGCTACCTCCTGGAGGCCGCAGAGGAGCTGGGCCT-3'
Protein context (NP_000171.1, residues 238-258): RVTAVIMVMH[Ser248Leu]VLLGGEEQRY

ClinVar aggregate classification (germline): Conflicting classifications of pathogenicity. Review status: criteria provided, conflicting classifications (1 of 4 stars). 4 submissions from 4 submitters: Likely pathogenic (1); Uncertain significance (2). 1 of the submissions does not count toward it. Last evaluated 2024-05-14.

Conditions:
Leber congenital amaurosis 1 (LCA1). Also called: Congenital absence of the rods and cones; Leber's congenital tapetoretinal degeneration; Leber's congenital tapetoretinal dysplasia; AMAUROSIS CONGENITA OF LEBER I; RETINAL BLINDNESS, CONGENITAL. Identifiers: Orphanet 65, MedGen C2931258, MONDO:0008764, OMIM 204000.

Allele frequency attached by ClinVar (database versions not stated): gnomAD 0.00001; TOPMed 0.00001.
gnomAD v4.1: 6 of 1,612,726 alleles (0.00037%); highest among the groups gnomAD compares: South Asian, 0.0022%; no homozygotes.

Submissions (4):

Women's Health and Genetics/Laboratory Corporation of America, LabCorp
Classification: Uncertain significance. Last evaluated: 2024-05-14. Review status: criteria provided, single submitter. Criteria: LabCorp Variant Classification Summary - May 2015. Collection method: clinical testing. Allele origin: germline.
Comment: Variant summary: GUCY2D c.743C>T (p.Ser248Leu) results in a non-conservative amino acid change located in the Receptor, ligand binding region (IPR001828) of the encoded protein sequence. Five of five in-silico tools predict a damaging effect of the variant on protein function. The variant allele was found at a frequency of 1.2e-05 in 249214 control chromosomes. c.743C>T has been reported in the literature in at least one homozygous individual affected with Leber Congenital Amaurosis (Safieh_2016). These data indicate that the variant may be associated with disease. To our knowledge, no experimental evidence demonstrating an impact on protein function has been reported. The following publication has been ascertained in the context of this evaluation (PMID: 26957854). ClinVar contains an entry for this variant (Variation ID: 974670). Based on the evidence outlined above, the variant was classified as VUS-possibly pathogenic.

Genomic Medicine Center of Excellence, King Faisal Specialist Hospital and Research Centre
Classification: Likely pathogenic for Leber congenital amaurosis 1. Last evaluated: 2024-03-26. Review status: criteria provided, single submitter. Criteria: ACMG Guidelines, 2015. Collection method: clinical testing. Allele origin: germline.

GeneDx
Classification: Uncertain significance. Last evaluated: 2023-02-18. Review status: criteria provided, single submitter. Criteria: GeneDx Variant Classification Process June 2021. Collection method: clinical testing. Allele origin: germline. Affected: yes.
Comment: In silico analysis supports that this missense variant has a deleterious effect on protein structure/function; Observed in an individual with Leber congenital amaurosis (Safieh et al., 2016); This variant is associated with the following publications: (PMID: 34426522, 29061346, 26957854)

Laboratory of Genetics in Ophthalmology, Institut Imagine
Classification: Likely pathogenic for Leber congenital amaurosis 1. Review status: no assertion criteria provided. Collection method: research. Allele origin: inherited. Affected: yes. Observed: 1 variant allele. Not counted in ClinVar's aggregate classification.

Literature cited by the submitters: PubMed 26957854 (cited by Women's Health and Genetics/Laboratory Corporation of America, LabCorp and Laboratory of Genetics in Ophthalmology, Institut Imagine).